The following is an entry in ClinVar:

NM_000548.5(TSC2):c.2042T>G (p.Leu681Arg)

Gene: TSC2 (TSC complex subunit 2; plus strand). Cytogenetic location: 16p13.3.
Variant type: single nucleotide variant.
Coding change: c.2042T>G on transcript NM_000548.5 (MANE Select); coding-DNA position 2042, T replaced by G.
Protein change: p.Leu681Arg; replaces leucine 681 with arginine.
Molecular consequence: missense variant. On other transcripts: non-coding transcript variant (5).
Genome position (GRCh38, 1-based): chr16:2,071,879, T>G. VCF-style: chr16-2071879-T-G. GRCh37 (hg19) VCF-style: chr16-2121880-T-G.
Other names: c.2042T>G, p.Leu681Arg (NM_001077183.3, NM_001114382.3, NM_001363528.2 and 6 more transcripts); c.1931T>G, p.Leu644Arg (NM_001318827.2, NM_001406670.1, NM_001406678.1); c.1895T>G, p.Leu632Arg (NM_001318829.2, NM_001406675.1, NM_001406676.1 and 1 more transcripts); c.1442T>G, p.Leu481Arg (NM_001318831.2, NM_001406680.1, NM_001406682.1 and 6 more transcripts); c.2075T>G, p.Leu692Arg (NM_001318832.2); c.2132T>G, p.Leu711Arg (NM_001406667.1, NM_001406668.1); c.2030T>G, p.Leu677Arg (NM_001406671.1, NM_001406673.1); c.1985T>G, p.Leu662Arg (NM_001406677.1); and 3 more; short protein forms L233R, L677R, L681R, L692R, L527R, L632R, L662R, L147R.
Identifiers: ClinVar variation 2449967 (VCV002449967.2), dbSNP rs878854079, ClinGen allele CA394274573.
Genomic context (GRCh38, chr16:2,071,879, plus strand): 5'-GCCCCCTTTCTCCTCCCACAGGGCCTCCTGGCCCGGCGCCTGCAGGCCCCGCCGTGCGGC[T>G]GGGGTCCGTGCCCTACTCCCTGCTCTTCCGCGTCCTGCTGCAGTGCTTGAAGCAGGTGAG-3'
Protein context (NP_000539.2, residues 671-691): GPAPAGPAVR[Leu681Arg]GSVPYSLLFR

ClinVar aggregate classification (germline): Uncertain significance (1 of 4 stars; one submission).

Conditions:
Hereditary cancer-predisposing syndrome. Also called: Neoplastic Syndromes, Hereditary; Tumor predisposition; Hereditary neoplastic syndrome; Hereditary Cancer Syndrome. Identifiers: Orphanet 140162, MedGen C0027672, MeSH D009386, MONDO:0015356.

Submission:

Ambry Genetics
Classification: Uncertain significance for Hereditary cancer-predisposing syndrome. Last evaluated: 2022-12-07. Review status: criteria provided, single submitter. Criteria: Ambry Variant Classification Scheme 2023. Collection method: clinical testing. Allele origin: germline.
Comment: The p.L681R variant (also known as c.2042T>G), located in coding exon 18 of the TSC2 gene, results from a T to G substitution at nucleotide position 2042. The leucine at codon 681 is replaced by arginine, an amino acid with dissimilar properties. This amino acid position is conserved. In addition, the in silico prediction for this alteration is inconclusive. Since supporting evidence is limited at this time, the clinical significance of this alteration remains unclear.